The following is an entry in ClinVar:

ClinVar aggregate classification (germline): Pathogenic. Review status: criteria provided, multiple submitters, no conflicts (2 of 4 stars). 3 submissions from 3 submitters: Pathogenic (3). Last evaluated 2026-01-19.

Conditions:
Primary hyperoxaluria, type I (HP1). Also called: GLYCOLIC ACIDURIA; HEPATIC AGT DEFICIENCY; OXALOSIS I; Primary hyperoxaluria type 1. Identifiers: Orphanet 416, Orphanet 93598, MedGen C0268164, MONDO:0009823, OMIM 259900. Disease mechanism: loss of function.

Submissions (3):

3billion
Classification: Pathogenic for Primary hyperoxaluria, type I. Last evaluated: 2026-01-19. Review status: criteria provided, single submitter. Criteria: ACMG Guidelines, 2015. Collection method: clinical testing. Allele origin: germline. Affected: yes.
Comment: The variant is observed at an extremely low frequency in the gnomAD v4.1.0 dataset (total allele frequency: <0.001%). Predicted Consequence/Location: Canonical splice site: predicted to alter splicing and result in a loss or disruption of normal protein function. Multiple pathogenic loss-of-function variants are reported downstream of the variant. In silico tools predict the variant to alter splicing and produce an abnormal transcript [SpliceAI: 0.98 (spliceogenicity >=0.2, non-spliceogenicity <0.1)]. The variant has been reported to be associated with AGXT-related disorder (ClinVar ID: VCV002664114 /PMID: 36151119). Therefore, this variant is classified as Pathogenic according to the recommendation of ACMG/AMP guideline.

Natera, Inc.
Classification: Pathogenic for Primary hyperoxaluria type I. Last evaluated: 2025-11-05. Review status: criteria provided, single submitter. Criteria: Natera Variant Classification Schema (03/2026). Collection method: clinical testing. Allele origin: germline.
Comment: The c.166-1_172dup variant in AGXT is a canonical splice acceptor site variant predicted to affect pre-mRNA splicing, which may result in an abnormal transcript and altered protein product. This variant is expected to result in nonsense mediated decay, truncation, or a dysfunctional protein product. This variant is rare in the general population with a frequency below the threshold expected for the associated phenotype(s). This variant has been observed in one or more individuals affected with the associated recessive disease, as either homozygous or compound heterozygous with a second variant (PMID: 36151119). Given the available evidence, this variant is classified as Pathogenic.

Rare Kidney Stone Consortium and the Mayo Clinic Hyperoxaluria Center, Mayo Clinic
Classification: Pathogenic for Primary hyperoxaluria, type I. Last evaluated: 2023-10-27. Review status: criteria provided, single submitter. Criteria: ACMG Guidelines, 2015. Collection method: clinical testing. Allele origin: germline. Affected: yes.
Comment: ACMG:PVS1 PM2 PP4

Literature cited by the submitters: PubMed 36151119 (cited by 3billion and Natera, Inc.); PubMed 34805638 (cited by Rare Kidney Stone Consortium and the Mayo Clinic Hyperoxaluria Center, Mayo Clinic).

NM_000030.3(AGXT):c.166-1_172dup

Gene: AGXT (alanine--glyoxylate aminotransferase; plus strand). Cytogenetic location: 2q37.3.
Variant type: Duplication.
Coding change: c.166-1_172dup on transcript NM_000030.3 (MANE Select); the canonical splice acceptor site of the intron before coding-DNA position 166 through coding-DNA position 172, 8 bases duplicated (GATCATGG; older notation c.166-1_172dupGATCATGG).
Molecular consequence: splice acceptor variant.
Genome position (GRCh38, 1-based): chr2:240,869,169-240,869,176, GATCATGG duplicated. VCF-style (leftmost placement, unchanged base first): chr2-240869168-A-AGATCATGG. GRCh37 (hg19) VCF-style: chr2-241808585-A-AGATCATGG.
Identifiers: ClinVar variation 2664114 (VCV002664114.3), dbSNP rs2528739939, ClinGen allele CA2586971630.